The following is an entry in ClinVar:

ClinVar aggregate classification (germline): Conflicting classifications of pathogenicity. Review status: criteria provided, conflicting classifications (1 of 4 stars). 2 submissions from 2 submitters: Uncertain significance (1); Likely benign (1). Last evaluated 2026-06-16.

Conditions:
Neurofibromatosis, type 1 (NF1). Also called: VON RECKLINGHAUSEN DISEASE; Peripheral type neurofibromatosis; NEUROFIBROMATOSIS, TYPE I, SOMATIC; Neurofibromatosis, type I. Identifiers: Orphanet 636, MedGen C0027831, MONDO:0018975, OMIM 162200. Disease mechanism: loss of function.
Hereditary cancer-predisposing syndrome. Also called: Hereditary Cancer Syndrome; Hereditary neoplastic syndrome; Neoplastic Syndromes, Hereditary; Tumor predisposition. Identifiers: Orphanet 140162, MedGen C0027672, MeSH D009386, MONDO:0015356.
Cardiovascular phenotype. Identifiers: MedGen CN230736.

Submissions (2):

Ambry Genetics
Classification: Likely benign for Cardiovascular phenotype; Hereditary cancer-predisposing syndrome. Last evaluated: 2026-06-16. Review status: criteria provided, single submitter. Criteria: Ambry Variant Classification Scheme 2023. Collection method: clinical testing. Allele origin: germline.

Labcorp Genetics (formerly Invitae), Labcorp
Classification: Uncertain significance for Neurofibromatosis, type 1. Last evaluated: 2024-09-27. Review status: criteria provided, single submitter. Criteria: Invitae Variant Classification Sherloc (09022015). Collection method: clinical testing. Allele origin: germline.
Comment: This sequence change replaces glutamic acid, which is acidic and polar, with aspartic acid, which is acidic and polar, at codon 785 of the NF1 protein (p.Glu785Asp). This variant is not present in population databases (gnomAD no frequency). This variant has not been reported in the literature in individuals affected with NF1-related conditions. ClinVar contains an entry for this variant (Variation ID: 2452324). Invitae Evidence Modeling of protein sequence and biophysical properties (such as structural, functional, and spatial information, amino acid conservation, physicochemical variation, residue mobility, and thermodynamic stability) indicates that this missense variant is not expected to disrupt NF1 protein function with a negative predictive value of 95%. In summary, the available evidence is currently insufficient to determine the role of this variant in disease. Therefore, it has been classified as a Variant of Uncertain Significance.

NM_001042492.3(NF1):c.2355A>C (p.Glu785Asp)

Gene: NF1 (neurofibromin 1; plus strand). Cytogenetic location: 17q11.2.
Variant type: single nucleotide variant.
Coding change: c.2355A>C on transcript NM_001042492.3 (MANE Select); coding-DNA position 2355, A replaced by C.
Protein change: p.Glu785Asp; replaces glutamic acid 785 with aspartic acid.
Molecular consequence: missense variant.
Genome position (GRCh38, 1-based): chr17:31,227,552, A>C. VCF-style: chr17-31227552-A-C. GRCh37 (hg19) VCF-style: chr17-29554570-A-C.
Other names: c.2355A>C, p.Glu785Asp (NM_000267.4); short protein forms E785D.
Identifiers: ClinVar variation 2452324 (VCV002452324.5), dbSNP rs876658622, ClinGen allele CA398983118.